The following is an entry in ClinVar:

NM_001197104.2(KMT2A):c.10853del (p.Pro3618fs)

Gene: KMT2A (lysine methyltransferase 2A; plus strand). Cytogenetic location: 11q23.3.
Variant type: Deletion.
Coding change: c.10853del on transcript NM_001197104.2 (MANE Select); coding-DNA position 10853, one base deleted (C; older notation c.10853delC).
Protein change: p.Pro3618fs; shifts the reading frame from proline 3618.
Molecular consequence: frameshift variant.
Genome position (GRCh38, 1-based): chr11:118,509,153, C deleted; the last of 2 consecutive C bases (chr11:118,509,152-118,509,153); deleting either gives the same sequence. VCF-style (leftmost placement, unchanged base first): chr11-118509151-TC-T. GRCh37 (hg19) VCF-style: chr11-118379866-TC-T.
Other names: NM_005933.4:c.10844del; c.10943delC, p.Pro3648Argfs (NM_001412597.1); c.10844del, p.Pro3615fs (NM_005933.4); short protein forms P3615fs, P3618fs.
Identifiers: ClinVar variation 2412718 (VCV002412718.1), dbSNP rs2497048472, ClinGen allele CA2573332448.

ClinVar aggregate classification (germline): Likely pathogenic (1 of 4 stars; one submission).

Conditions:
Wiedemann-Steiner syndrome (WDSTS). Also called: Growth deficiency and mental retardation with facial dysmorphism. Identifiers: Orphanet 319182, MedGen C1854630, MONDO:0011518, OMIM 605130.

Submission:

Broad Center for Mendelian Genomics, Broad Institute of MIT and Harvard
Classification: Likely pathogenic for Wiedemann-Steiner syndrome. Last evaluated: 2023-01-25. Review status: criteria provided, single submitter. Criteria: ACMG Guidelines, 2015. Collection method: curation. Allele origin: germline. Inheritance: Autosomal dominant inheritance.
Comment: Trio exome analysis showed this variant to be de novo. The p.Pro3618ArgfsTer5 variant in KMT2A has not been previously reported in individuals with Wiedemann-Steiner syndrome. This variant was absent from large population studies. This variant is predicted to cause a frameshift, which alters the protein‚Äôs amino acid sequence beginning at position 3618 and leads to a premature termination codon 5 amino acids downstream. This alteration is then predicted to lead to a truncated or absent protein. Heterozygous loss of function of the KM2TA gene is strongly associated to autosomal dominant Wiedemann-Steiner syndrome. In summary, although additional studies are required to fully establish its clinical significance, this variant is likely pathogenic for autosomal dominant Wiedemann-Steiner syndrome. ACMG/AMP Criteria applied: PVS1_Strong, PS2_Supporting, PM2_Supporting (Richards 2015).